The following is an entry in ClinVar:

ClinVar aggregate classification (germline): Uncertain significance. Review status: criteria provided, multiple submitters, no conflicts (2 of 4 stars). 3 submissions from 3 submitters: Uncertain significance (3). Last evaluated 2026-07-08.

Conditions:
HPS1-related disorder. Also called: HPS1-related condition.
Hermansky-Pudlak syndrome 1 (HPS1). Also called: DELTA STORAGE POOL DISEASE. Identifiers: Orphanet 231500, Orphanet 79430, MedGen C2931875, MONDO:0008748, OMIM 203300.

Allele frequency attached by ClinVar (database versions not stated): ExAC 0.00001.
gnomAD v4.1: 18 of 1,613,544 alleles (0.0011%); highest among the groups gnomAD compares: East Asian, 0.0022%; no homozygotes.

Submissions (3):

PreventionGenetics, part of Exact Sciences
Classification: Uncertain significance for HPS1-related condition. Last evaluated: 2026-07-08. Review status: criteria provided, single submitter. Criteria: ACMG Guidelines, 2015. Collection method: clinical testing. Allele origin: germline.
Comment: The HPS1 c.1769G>A variant is predicted to result in the amino acid substitution p.Arg590His. To our knowledge, this variant has not been reported in the literature. This variant is reported in 0.0018% of alleles in individuals of European (Non-Finnish) descent in gnomAD and is classified as uncertain in ClinVar (Variation ID: 2180736). At this time, the clinical significance of this variant is uncertain due to the absence of conclusive functional and genetic evidence.

Fulgent Genetics
Classification: Uncertain significance for Hermansky-Pudlak syndrome 1. Last evaluated: 2024-04-04. Review status: criteria provided, single submitter. Criteria: ACMG Guidelines, 2015. Collection method: clinical testing. Allele origin: germline.

Labcorp Genetics (formerly Invitae), Labcorp
Classification: Uncertain significance. Last evaluated: 2022-09-27. Review status: criteria provided, single submitter. Criteria: Invitae Variant Classification Sherloc (09022015). Collection method: clinical testing. Allele origin: germline.
Comment: This sequence change replaces arginine, which is basic and polar, with histidine, which is basic and polar, at codon 590 of the HPS1 protein (p.Arg590His). This variant is present in population databases (rs762120872, gnomAD 0.0009%). This variant has not been reported in the literature in individuals affected with HPS1-related conditions. Advanced modeling of protein sequence and biophysical properties (such as structural, functional, and spatial information, amino acid conservation, physicochemical variation, residue mobility, and thermodynamic stability) performed at Invitae indicates that this missense variant is not expected to disrupt HPS1 protein function. In summary, the available evidence is currently insufficient to determine the role of this variant in disease. Therefore, it has been classified as a Variant of Uncertain Significance.

NM_000195.5(HPS1):c.1769G>A (p.Arg590His)

Gene: HPS1 (HPS1 biogenesis of lysosomal organelles complex 3 subunit 1; minus strand). Cytogenetic location: 10q24.2.
Variant type: single nucleotide variant.
Coding change: c.1769G>A on transcript NM_000195.5 (MANE Select); coding-DNA position 1769, G replaced by A.
Protein change: p.Arg590His; replaces arginine 590 with histidine.
Molecular consequence: missense variant.
Genome position (GRCh38, 1-based): chr10:98,420,133, C>T on the plus strand (G>A on the coding strand, the complement: HPS1 is on the minus strand). VCF-style: chr10-98420133-C-T. GRCh37 (hg19) VCF-style: chr10-100179890-C-T.
Other names: c.1670G>A, p.Arg557His (NM_001322479.2, NM_001322478.2); c.1508G>A, p.Arg503His (NM_001322480.2, NM_001322481.2); c.1409G>A, p.Arg470His (NM_001322482.2); c.1400G>A, p.Arg467His (NM_001322483.2, NM_001322484.2); c.1301G>A, p.Arg434His (NM_001322485.2); c.797G>A, p.Arg266His (NM_001322487.2, NM_001322489.2, NM_001311345.2); c.1769G>A, p.Arg590His (NM_001322476.2, NM_001322477.2); c.1769G>A (NM_000195.4); short protein forms R467H, R503H, R557H, R266H, R434H, R470H, R590H.
Identifiers: ClinVar variation 2180736 (VCV002180736.3), dbSNP rs762120872, ClinGen allele CA5638889.